The following is an entry in ClinVar:

ClinVar aggregate classification (germline): Conflicting classifications of pathogenicity. Review status: criteria provided, conflicting classifications (1 of 4 stars). 6 submissions from 6 submitters: Uncertain significance (4); Likely benign (2). Last evaluated 2025-11-21.

Conditions:
TTN-related disorder. Also called: TTN-related condition; TTN-related disease; TTN-related disorders.
Dilated cardiomyopathy 1G (CMD1G). Identifiers: Orphanet 154, MedGen C1858763, MONDO:0011400, OMIM 604145.
Autosomal recessive limb-girdle muscular dystrophy type 2J (LGMDR10). Also called: Limb-girdle muscular dystrophy, type 2J; MUSCULAR DYSTROPHY, LIMB-GIRDLE, AUTOSOMAL RECESSIVE 10. Identifiers: Orphanet 140922, MedGen C1837342, MONDO:0012127, OMIM 608807.
Cardiomyopathy (CMYO). Also called: Cardiomyopathies. Identifiers: Orphanet 167848, MedGen C0878544, MONDO:0004994, HP:0001638. Inheritance: Various modes of inheritance.

Allele frequency attached by ClinVar (database versions not stated): ExAC 0.00001; gnomAD exomes 0.00001; TOPMed 0.00003; gnomAD 0.00005; ESP Exome Variant Server 0.00015.
gnomAD v4.1: 65 of 1,613,044 alleles (0.004%); highest among the groups gnomAD compares: Middle Eastern, 0.033%; no homozygotes.

Submissions (6):

PreventionGenetics, part of Exact Sciences
Classification: Uncertain significance for TTN-related condition. Last evaluated: 2025-11-21. Review status: criteria provided, single submitter. Criteria: ACMG Guidelines, 2015. Collection method: clinical testing. Allele origin: germline.
Comment: The TTN c.4990C>T variant is predicted to result in the amino acid substitution p.Arg1664Trp. To our knowledge, this variant has not been reported in the literature. This variant is reported in 0.0080% of alleles in individuals of African descent in gnomAD. At this time, the clinical significance of this variant is uncertain due to the absence of conclusive functional and genetic evidence.

Molecular Diagnostic Laboratory for Inherited Cardiovascular Disease, Montreal Heart Institute
Classification: Likely benign. Last evaluated: 2025-04-09. Review status: criteria provided, single submitter. Criteria: ACMG Guidelines, 2015. Collection method: clinical testing. Allele origin: germline. Affected: no.

CHEO Genetics Diagnostic Laboratory, Children's Hospital of Eastern Ontario
Classification: Likely benign for Cardiomyopathy. Last evaluated: 2023-04-28. Review status: criteria provided, single submitter. Criteria: ACMG Guidelines, 2015. Collection method: clinical testing. Allele origin: germline.

Eurofins Ntd Llc (ga)
Classification: Uncertain significance. Last evaluated: 2017-09-30. Review status: criteria provided, single submitter. Criteria: EGL Classification Definitions 2015. Collection method: clinical testing. Allele origin: germline. Observed: 1 variant allele, 1 heterozygote.

Labcorp Genetics (formerly Invitae), Labcorp
Classification: Uncertain significance for Dilated cardiomyopathy 1G; Autosomal recessive limb-girdle muscular dystrophy type 2J. Last evaluated: 2017-09-15. Review status: criteria provided, single submitter. Criteria: Invitae Variant Classification Sherloc (09022015). Collection method: clinical testing. Allele origin: germline.

GeneDx
Classification: Uncertain significance. Last evaluated: 2014-04-18. Review status: criteria provided, single submitter. Criteria: GeneDx Variant Classification (06012015). Collection method: clinical testing. Allele origin: germline. Affected: yes.
Comment: Missense variants in the TTN gene are considered 'unclassified' if they are not previously reported in the literature and do not have >1% frequency in the population to be considered a polymorphism. Research indicates that truncating mutations in the TTN gene are expected to account for approximately 25% of familial and 18% of sporadic idiopathic DCM; however, truncating variants in the TTN gene have been reported in approximately 3% of reported control alleles. There has been little investigation into non-truncating variants. (Herman D et al. Truncations of titin causing dilated cardiomyopathy. N Eng J Med 366:619-628, 2012) The variant is found in CARDIOMYOPATHY panel(s).

NM_001267550.2(TTN):c.4990C>T (p.Arg1664Trp)

Gene: TTN (titin; minus strand). Cytogenetic location: 2q31.2.
Variant type: single nucleotide variant.
Coding change: c.4990C>T on transcript NM_001267550.2 (MANE Select); coding-DNA position 4990, C replaced by T.
Protein change: p.Arg1664Trp; replaces arginine 1664 with tryptophan.
Molecular consequence: missense variant.
Genome position (GRCh38, 1-based): chr2:178,776,874, G>A on the plus strand (C>T on the coding strand, the complement: TTN is on the minus strand). VCF-style: chr2-178776874-G-A. GRCh37 (hg19) VCF-style: chr2-179641601-G-A.
Other names: p.R1664W:CGG>TGG; c.4990C>T, p.Arg1664Trp (NM_001256850.1, NM_133378.4, NM_133379.5); c.4852C>T, p.Arg1618Trp (NM_003319.4, NM_133432.3, NM_133437.4); short protein forms R1664W, R1618W.
Identifiers: ClinVar variation 203133 (VCV000203133.11), dbSNP rs147695336, ClinGen allele CA311369.